The following is an entry in ClinVar:

NM_017654.4(SAMD9):c.1653C>T (p.Asp551=)

Gene: SAMD9 (sterile alpha motif domain containing 9; minus strand). Cytogenetic location: 7q21.2.
Variant type: single nucleotide variant.
Coding change: c.1653C>T on transcript NM_017654.4 (MANE Select); coding-DNA position 1653, C replaced by T.
Protein change: p.Asp551=; no amino-acid change (aspartic acid 551 retained).
Molecular consequence: synonymous variant.
Genome position (GRCh38, 1-based): chr7:93,104,445, G>A on the plus strand (C>T on the coding strand, the complement: SAMD9 is on the minus strand). VCF-style: chr7-93104445-G-A. GRCh37 (hg19) VCF-style: chr7-92733758-G-A.
Other names: c.1653C>T, p.Asp551= (NM_001193307.2).
Identifiers: ClinVar variation 1337754 (VCV001337754.15), dbSNP rs149364387, ClinGen allele CA4342947.

ClinVar aggregate classification (germline): Likely benign. Review status: criteria provided, multiple submitters, no conflicts (2 of 4 stars). 5 submissions from 5 submitters: Likely benign (4). 1 of the submissions does not count toward it. Last evaluated 2026-01-28.

Conditions:
Inborn genetic diseases. Identifiers: MedGen C0950123, MeSH D030342.
SAMD9-related disorder. Also called: SAMD9-related condition.

Allele frequency attached by ClinVar (database versions not stated): ExAC 0.00012; gnomAD exomes 0.00012 and 0.00021; gnomAD 0.00013 and 0.00014; TOPMed 0.00015; ESP Exome Variant Server 0.00023.
gnomAD v4.1: 350 of 1,613,812 alleles (0.022%); highest among the groups gnomAD compares: Non-Finnish European, 0.027%; no homozygotes.

Submissions (5):

Labcorp Genetics (formerly Invitae), Labcorp
Classification: Likely benign. Last evaluated: 2026-01-28. Review status: criteria provided, single submitter. Criteria: Invitae Variant Classification Sherloc (09022015). Collection method: clinical testing. Allele origin: germline.

Ambry Genetics
Classification: Likely benign for Inborn genetic diseases. Last evaluated: 2024-11-23. Review status: criteria provided, single submitter. Criteria: Ambry Variant Classification Scheme 2023. Collection method: clinical testing. Allele origin: germline.

Blueprint Genetics
Classification: Likely benign. Last evaluated: 2024-09-13. Review status: criteria provided, single submitter. Criteria: ACMG Guidelines, 2015. Collection method: clinical testing. Allele origin: germline.

Genetic Services Laboratory, University of Chicago
Classification: Likely benign. Last evaluated: 2020-09-29. Review status: criteria provided, single submitter. Criteria: ACMG Guidelines, 2015. Collection method: clinical testing. Allele origin: germline. Affected: no.

PreventionGenetics, part of Exact Sciences
Classification: Likely benign for SAMD9-related condition. Last evaluated: 2023-09-08. Review status: no assertion criteria provided. Collection method: clinical testing. Allele origin: germline. Not counted in ClinVar's aggregate classification.
Comment: This variant is classified as likely benign based on ACMG/AMP sequence variant interpretation guidelines (Richards et al. 2015 PMID: 25741868, with internal and published modifications).